The following is an entry in ClinVar:

NM_001276345.2(TNNT2):c.685C>T (p.Leu229=)

Gene: TNNT2 (troponin T2, cardiac type; minus strand). Cytogenetic location: 1q32.1.
Variant type: single nucleotide variant.
Coding change: c.685C>T on transcript NM_001276345.2 (MANE Select); coding-DNA position 685, C replaced by T.
Protein change: p.Leu229=; no amino-acid change (leucine 229 retained).
Molecular consequence: synonymous variant.
Genome position (GRCh38, 1-based): chr1:201,361,947, G>A on the plus strand (C>T on the coding strand, the complement: TNNT2 is on the minus strand). VCF-style: chr1-201361947-G-A. GRCh37 (hg19) VCF-style: chr1-201331075-G-A.
Other names: c.676C>T, p.Leu226= (NM_000364.4, NM_001406723.1); c.655C>T, p.Leu219= (NM_001001430.3, NM_001276347.2, NM_001406724.1); c.646C>T, p.Leu216= (NM_001001431.3, NM_001406726.1, NM_001406727.1); c.637C>T, p.Leu213= (NM_001001432.3); c.556C>T, p.Leu186= (NM_001276346.2); c.652C>T, p.Leu218= (NM_001406725.1); c.640C>T, p.Leu214= (NM_001406728.1).
Identifiers: ClinVar variation 3073354 (VCV003073354.1), dbSNP rs1375314963, ClinGen allele CA422529425.
Genomic context (GRCh38, chr1:201,361,947, plus strand): 5'-CCAGGACCATTCCTCCCAGCCCCCACCTCAGCTGATCTTCATTCAGGTGGTCAATGGCCA[G>A]CACCTTCCTCCTCTCAGCCAGAATCTTCTTCTTCTTTTCCCGCTCAGTCTGCCTCTTCCC-3'
Protein context (NP_001263274.1, residues 219-239): KKILAERRKV[Leu229=]AIDHLNEDQL

ClinVar aggregate classification (germline): Likely benign (1 of 4 stars; one submission).

Conditions:
Cardiomyopathy (CMYO). Also called: Cardiomyopathies. Identifiers: Orphanet 167848, MedGen C0878544, MONDO:0004994, HP:0001638. Inheritance: Various modes of inheritance.

Submission:

All of Us Research Program, National Institutes of Health
Classification: Likely benign for Cardiomyopathy. Last evaluated: 2023-09-04. Review status: criteria provided, single submitter. Criteria: ACMG Guidelines, 2015. Collection method: clinical testing. Allele origin: germline. Inheritance: Autosomal dominant inheritance. Observed: 1 variant allele, 1 heterozygote.
Comment: This study involves interpretation of variants in research participants for the purpose of population health screening. Participant phenotype was not available at the time of variant classification. Additional details can be found in publication PMID: 35346344, PMCID: PMC8962531